The following is an entry in ClinVar:

NM_054012.4(ASS1):c.106-10T>G

Gene: ASS1 (argininosuccinate synthase 1; plus strand). Cytogenetic location: 9q34.11.
Variant type: single nucleotide variant.
Coding change: c.106-10T>G on transcript NM_054012.4 (MANE Select); 10 bases into the intron before coding-DNA position 106, T replaced by G.
Molecular consequence: intron variant.
Genome position (GRCh38, 1-based): chr9:130,454,295, T>G. VCF-style: chr9-130454295-T-G. GRCh37 (hg19) VCF-style: chr9-133329682-T-G.
Other names: c.106-10T>G (NM_000050.4).
Identifiers: ClinVar variation 197098 (VCV000197098.39), dbSNP rs73541957, ClinGen allele CA302970.

ClinVar aggregate classification (germline): Benign/Likely benign. Review status: criteria provided, multiple submitters, no conflicts (2 of 4 stars). 10 submissions from 10 submitters: Benign (5); Likely benign (4). 1 of the submissions does not count toward it. Last evaluated 2026-02-23.

Conditions:
Citrullinemia. Identifiers: Orphanet 187, MedGen C0175683, MONDO:0015991.
Citrullinemia type I (CTNL1). Also called: argininosuccinate synthetase deficiency; ASS DEFICIENCY. Identifiers: Orphanet 247525, MedGen C4721769, MONDO:0008988, OMIM 215700.

Allele frequency attached by ClinVar (database versions not stated): gnomAD exomes 0.00048 and 0.00132; ExAC 0.00201; gnomAD 0.00554 and 0.00593; 1000 Genomes Project 0.00559; ESP Exome Variant Server 0.00569; TOPMed 0.00624; 1000 Genomes Project 30x 0.00625.
gnomAD v4.1: 1,581 of 1,609,626 alleles (0.098%); highest among the groups gnomAD compares: African/African-American, 1.9%; 16 homozygotes.

Submissions (14):

Women's Health and Genetics/Laboratory Corporation of America, LabCorp
Classification: Likely benign. Last evaluated: 2026-02-23. Review status: criteria provided, single submitter. Criteria: LabCorp Variant Classification Summary - May 2015. Collection method: clinical testing. Allele origin: germline.

Labcorp Genetics (formerly Invitae), Labcorp
Classification: Benign for Citrullinemia. Last evaluated: 2026-01-31. Review status: criteria provided, single submitter. Criteria: Invitae Variant Classification Sherloc (09022015). Collection method: clinical testing. Allele origin: germline.

ARUP Laboratories, Molecular Genetics and Genomics, ARUP Laboratories
Classification: Benign for Citrullinemia type I. Last evaluated: 2020-01-02. Review status: criteria provided, single submitter. Criteria: ARUP Molecular Germline Variant Investigation Process. Collection method: clinical testing. Allele origin: germline.

Illumina Laboratory Services, Illumina
Classification: Benign for Citrullinemia type I. Last evaluated: 2018-01-12. Review status: criteria provided, single submitter. Criteria: ICSL Variant Classification Criteria 13 December 2019. Collection method: clinical testing. Allele origin: germline.
Comment: This variant was observed in the ICSL laboratory as part of a predisposition screen in an ostensibly healthy population. It had not been previously curated by ICSL or reported in the Human Gene Mutation Database (HGMD: prior to June 1st, 2018), and was therefore a candidate for classification through an automated scoring system. Utilizing variant allele frequency, disease prevalence and penetrance estimates, and inheritance mode, an automated score was calculated to assess if this variant is too frequent to cause the disease. Based on the score and internal cut-off values, a variant classified as benign is not then subjected to further curation. The score for this variant resulted in a classification of benign for this disease.

Center for Pediatric Genomic Medicine, Children's Mercy Hospital and Clinics
Classification: Likely benign. Last evaluated: 2016-10-11. Review status: criteria provided, single submitter. Criteria: ACMG Guidelines, 2015. Collection method: clinical testing. Allele origin: germline.
ClinVar note: Converted during submission from Likely Benign to Likely benign.

GeneDx
Classification: Benign. Last evaluated: 2014-09-11. Review status: criteria provided, single submitter. Criteria: GeneDx Variant Classification (06012015). Collection method: clinical testing. Allele origin: germline. Affected: yes.
Comment: This variant is considered likely benign or benign based on one or more of the following criteria: it is a conservative change, it occurs at a poorly conserved position in the protein, it is predicted to be benign by multiple in silico algorithms, and/or has population frequency not consistent with disease.

Eurofins Ntd Llc (ga)
Classification: Benign. Last evaluated: 2014-08-06. Review status: criteria provided, single submitter. Criteria: EGL Classification Definitions 2015. Collection method: clinical testing. Allele origin: germline. Observed: 7 variant alleles, 7 heterozygotes.

Breakthrough Genomics
Classification: Likely benign. Review status: criteria provided, single submitter. Criteria: ACMG Guidelines, 2015. Collection method: not provided. Allele origin: germline. Inheritance: Autosomal recessive inheritance. Affected: yes.

PreventionGenetics, part of Exact Sciences
Classification: Likely benign. Review status: criteria provided, single submitter. Criteria: ACMG Guidelines, 2015. Collection method: clinical testing. Allele origin: germline.

Natera, Inc.
Classification: Benign for Citrullinemia type I. Last evaluated: 2020-04-13. Review status: no assertion criteria provided. Collection method: clinical testing. Allele origin: germline. Not counted in ClinVar's aggregate classification.

Dr. Peter K. Rogan Lab, Western University
No classification provided (evidence only). Condition: Clear cell carcinoma of kidney. Review status: no classification provided. Collection method: in vitro. Allele origin: not applicable. Functional consequence: skipped exon, retained intron. Not counted in ClinVar's aggregate classification.

Dr. Peter K. Rogan Lab, Western University
No classification provided (evidence only). Condition: Uterine corpus endometrial carcinoma. Review status: no classification provided. Collection method: in vitro. Allele origin: not applicable. Functional consequence: skipped exon, retained intron. Not counted in ClinVar's aggregate classification.

Dr. Peter K. Rogan Lab, Western University
No classification provided (evidence only). Condition: Uterine corpus endometrial carcinoma. Review status: no classification provided. Collection method: in vitro. Allele origin: not applicable. Functional consequence: skipped exon, retained intron. Not counted in ClinVar's aggregate classification.

Dr. Peter K. Rogan Lab, Western University
No classification provided (evidence only). Condition: Ovarian serous cystadenocarcinoma. Review status: no classification provided. Collection method: in vitro. Allele origin: not applicable. Functional consequence: retained intron. Not counted in ClinVar's aggregate classification.